The following is an entry in ClinVar:

NM_015041.3(CLUAP1):c.565A>G (p.Ile189Val)

Gene: CLUAP1 (clusterin associated protein 1; plus strand). Cytogenetic location: 16p13.3.
Variant type: single nucleotide variant.
Coding change: c.565A>G on transcript NM_015041.3 (MANE Select); coding-DNA position 565, A replaced by G.
Protein change: p.Ile189Val; replaces isoleucine 189 with valine.
Molecular consequence: missense variant.
Genome position (GRCh38, 1-based): chr16:3,515,577, A>G. VCF-style: chr16-3515577-A-G. GRCh37 (hg19) VCF-style: chr16-3565577-A-G.
Other names: c.565A>G, p.Ile189Val (NM_001330454.2); c.67A>G, p.Ile23Val (NM_024793.3); short protein forms I23V, I189V.
Identifiers: ClinVar variation 2125783 (VCV002125783.4), dbSNP rs2037714598, ClinGen allele CA394513038.
Genomic context (GRCh38, chr16:3,515,577, plus strand): 5'-ACAGAAGCCATTGCCAGACCTCTGGAAATAAACGAGACTGAAAAAGTGATGAGAATTGCA[A>G]TAAAAGAGATTTTGGTAAGATGACTTTGCTTTTATATAATGTTTTTTATGCCTGGGATTC-3'
Protein context (NP_055856.1, residues 179-199): NETEKVMRIA[Ile189Val]KEILTQVQKT

ClinVar aggregate classification (germline): Uncertain significance (1 of 4 stars; one submission).

Allele frequency attached by ClinVar (database versions not stated): gnomAD exomes 0.00001.
gnomAD v4.1: 5 of 1,591,298 alleles (0.00031%); highest among the groups gnomAD compares: Admixed American, 0.0038%; no homozygotes.

Submission:

Labcorp Genetics (formerly Invitae), Labcorp
Classification: Uncertain significance. Last evaluated: 2022-04-21. Review status: criteria provided, single submitter. Criteria: Invitae Variant Classification Sherloc (09022015). Collection method: clinical testing. Allele origin: germline.
Comment: This variant has not been reported in the literature in individuals affected with CLUAP1-related conditions. This sequence change replaces isoleucine, which is neutral and non-polar, with valine, which is neutral and non-polar, at codon 189 of the CLUAP1 protein (p.Ile189Val). This variant is not present in population databases (gnomAD no frequency). Algorithms developed to predict the effect of missense changes on protein structure and function output the following: SIFT: "Tolerated"; PolyPhen-2: "Benign"; Align-GVGD: "Class C0". The valine amino acid residue is found in multiple mammalian species, which suggests that this missense change does not adversely affect protein function. In summary, the available evidence is currently insufficient to determine the role of this variant in disease. Therefore, it has been classified as a Variant of Uncertain Significance.